The following is an entry in ClinVar:

NM_015909.4(NBAS):c.3258-5dup

Gene: NBAS (NBAS subunit of NRZ tethering complex; minus strand). Cytogenetic location: 2p24.3.
Variant type: Duplication.
Coding change: c.3258-5dup on transcript NM_015909.4 (MANE Select); 5 bases into the intron before coding-DNA position 3258, one base duplicated (T; older notation c.3258-5dupT).
Molecular consequence: intron variant.
Genome position (GRCh38, 1-based): chr2:15,383,322, A duplicated on the plus strand (T on the coding strand, the reverse complement: NBAS is on the minus strand); the first of 5 consecutive A bases (chr2:15,383,322-15,383,326); duplicating any one gives the same sequence. VCF-style (leftmost placement, unchanged base first): chr2-15383321-G-GA. GRCh37 (hg19) VCF-style: chr2-15523445-G-GA.
Other names: c.3258-5dupT (NM_015909.3).
Identifiers: ClinVar variation 1576873 (VCV001576873.11), dbSNP rs767634529, ClinGen allele CA1536075.

ClinVar aggregate classification (germline): Benign/Likely benign. Review status: criteria provided, multiple submitters, no conflicts (2 of 4 stars). 3 submissions from 3 submitters: Benign (1); Likely benign (1). 1 of the submissions does not count toward it. Last evaluated 2025-12-26.

Conditions:
NBAS-related disorder. Also called: NBAS-related condition.

Submissions (3):

Labcorp Genetics (formerly Invitae), Labcorp
Classification: Benign. Last evaluated: 2025-12-26. Review status: criteria provided, single submitter. Criteria: Invitae Variant Classification Sherloc (09022015). Collection method: clinical testing. Allele origin: germline.

Blueprint Genetics
Classification: Likely benign. Last evaluated: 2024-05-03. Review status: criteria provided, single submitter. Criteria: ACMG Guidelines, 2015. Collection method: clinical testing. Allele origin: germline.

PreventionGenetics, part of Exact Sciences
Classification: Likely benign for NBAS-related condition. Last evaluated: 2019-10-29. Review status: no assertion criteria provided. Collection method: clinical testing. Allele origin: germline. Not counted in ClinVar's aggregate classification.
Comment: This variant is classified as likely benign based on ACMG/AMP sequence variant interpretation guidelines (Richards et al. 2015 PMID: 25741868, with internal and published modifications).